The following is an entry in ClinVar:

NM_020631.6(PLEKHG5):c.608G>A (p.Arg203His)

Gene: PLEKHG5 (pleckstrin homology and RhoGEF domain containing G5; minus strand). Cytogenetic location: 1p36.31.
Variant type: single nucleotide variant.
Coding change: c.608G>A on transcript NM_020631.6 (MANE Select); coding-DNA position 608, G replaced by A.
Protein change: p.Arg203His; replaces arginine 203 with histidine.
Molecular consequence: missense variant.
Genome position (GRCh38, 1-based): chr1:6,473,438, C>T on the plus strand (G>A on the coding strand, the complement: PLEKHG5 is on the minus strand). VCF-style: chr1-6473438-C-T. GRCh37 (hg19) VCF-style: chr1-6533498-C-T.
Other names: c.719G>A, p.Arg240His (NM_001042663.3, NM_001265592.2); c.608G>A, p.Arg203His (NM_001042664.2, NM_001042665.2, NM_001265594.3 and 1 more transcripts); c.815G>A, p.Arg272His (NM_001265593.2); short protein forms R203H, R272H, R240H.
Identifiers: ClinVar variation 851505 (VCV000851505.10), dbSNP rs939508255, ClinGen allele CA17242422.

ClinVar aggregate classification (germline): Uncertain significance. Review status: criteria provided, multiple submitters, no conflicts (2 of 4 stars). 3 submissions from 3 submitters: Uncertain significance (3). Last evaluated 2021-08-31.

Conditions:
Inborn genetic diseases. Identifiers: MedGen C0950123, MeSH D030342.
Charcot-Marie-Tooth disease recessive intermediate C. Also called: CHARCOT-MARIE-TOOTH NEUROPATHY, RECESSIVE INTERMEDIATE C. Identifiers: Orphanet 369867, MedGen C3809309, MONDO:0014154, OMIM 615376.
Neuronopathy, distal hereditary motor, autosomal recessive 4. Also called: Autosomal recessive lower motor neuron disease with childhood onset; NEUROPATHY, DISTAL HEREDITARY MOTOR, AUTOSOMAL RECESSIVE 4. Identifiers: Orphanet 206580, MedGen C1970211, MONDO:0012608, OMIM 611067.

Allele frequency attached by ClinVar (database versions not stated): gnomAD 0.00001; gnomAD exomes 0.00001; TOPMed 0.00001.

Submissions (3):

Labcorp Genetics (formerly Invitae), Labcorp
Classification: Uncertain significance for Neuronopathy, distal hereditary motor, autosomal recessive 4; Charcot-Marie-Tooth disease recessive intermediate C. Last evaluated: 2021-08-31. Review status: criteria provided, single submitter. Criteria: Invitae Variant Classification Sherloc (09022015). Collection method: clinical testing. Allele origin: germline.
Comment: This sequence change replaces arginine with histidine at codon 203 of the PLEKHG5 protein (p.Arg203His). The arginine residue is highly conserved and there is a small physicochemical difference between arginine and histidine. The frequency data for this variant in the population databases is considered unreliable, as metrics indicate insufficient coverage at this position in the ExAC database. This variant has not been reported in the literature in individuals affected with PLEKHG5-related conditions. Algorithms developed to predict the effect of missense changes on protein structure and function are either unavailable or do not agree on the potential impact of this missense change (SIFT: "Deleterious"; PolyPhen-2: "Probably Damaging"; Align-GVGD: "Class C0"). In summary, the available evidence is currently insufficient to determine the role of this variant in disease. Therefore, it has been classified as a Variant of Uncertain Significance.

Ambry Genetics
Classification: Uncertain significance for Inborn genetic diseases. Last evaluated: 2021-06-08. Review status: criteria provided, single submitter. Criteria: Ambry Variant Classification Scheme 2023. Collection method: clinical testing. Allele origin: germline.
Comment: The p.R203H variant (also known as c.608G>A), located in coding exon 7 of the PLEKHG5 gene, results from a G to A substitution at nucleotide position 608. The arginine at codon 203 is replaced by histidine, an amino acid with highly similar properties. This amino acid position is highly conserved in available vertebrate species. In addition, the in silico prediction for this alteration is inconclusive. Since supporting evidence is limited at this time, the clinical significance of this alteration remains unclear.

Breakthrough Genomics
Classification: Uncertain significance. Review status: criteria provided, single submitter. Criteria: ACMG Guidelines, 2015. Collection method: not provided. Allele origin: germline. Inheritance: Autosomal recessive inheritance. Affected: yes.